The following is an entry in ClinVar:

NM_000503.6(EYA1):c.1157A>T (p.His386Leu)

Gene: EYA1 (EYA transcriptional coactivator and phosphatase 1; minus strand). Cytogenetic location: 8q13.3.
Variant type: single nucleotide variant.
Coding change: c.1157A>T on transcript NM_000503.6 (MANE Select); coding-DNA position 1157, A replaced by T.
Protein change: p.His386Leu; replaces histidine 386 with leucine.
Molecular consequence: missense variant.
Genome position (GRCh38, 1-based): chr8:71,217,007, T>A on the plus strand (A>T on the coding strand, the complement: EYA1 is on the minus strand). VCF-style: chr8-71217007-T-A. GRCh37 (hg19) VCF-style: chr8-72129242-T-A.
Other names: c.1139A>T, p.His380Leu (NM_001288574.2, NM_172059.5); c.791A>T, p.His264Leu (NM_001288575.2); c.1244A>T, p.His415Leu (NM_001370333.1); c.1157A>T, p.His386Leu (NM_001370334.1, NM_001370335.1, NM_172058.4); c.1136A>T, p.His379Leu (NM_001370336.1); short protein forms H264L, H379L, H380L, H386L, H415L.
Identifiers: ClinVar variation 1307077 (VCV001307077.2), dbSNP rs2128854710, ClinGen allele CA371467018.

ClinVar aggregate classification (germline): Uncertain significance (1 of 4 stars; one submission).

Submission:

GeneDx
Classification: Uncertain significance. Last evaluated: 2019-07-23. Review status: criteria provided, single submitter. Criteria: GeneDx Variant Classification Process June 2021. Collection method: clinical testing. Allele origin: germline. Affected: yes.
Comment: Not observed in large population cohorts (Lek et al., 2016); In silico analysis, which includes protein predictors and evolutionary conservation, supports a deleterious effect; Has not been previously published as pathogenic or benign to our knowledge